The following is an entry in ClinVar:

ClinVar aggregate classification (germline): Likely benign. Review status: criteria provided, single submitter (1 of 4 stars). 2 submissions from 2 submitters: Likely benign (1). 1 of the submissions does not count toward it. Last evaluated 2023-01-15.

Conditions:
ACTB-related disorder. Also called: ACTB-related condition; ACTB-related disorders.
Baraitser-Winter syndrome 1 (BRWS1). Also called: PACHYGYRIA, MENTAL RETARDATION, EPILEPSY, AND CHARACTERISTIC FACIES; MENTAL RETARDATION WITH EPILEPSY AND CHARACTERISTIC FACIES; Cerebrofrontofacial syndrome; BARAITSER-WINTER SYNDROME 1, ATYPICAL. Identifiers: Orphanet 2649, Orphanet 2995, MedGen C1855722, MONDO:0009470, OMIM 243310.

Allele frequency attached by ClinVar (database versions not stated): ExAC 0.00001; gnomAD exomes 0.00001.

Submissions (2):

Labcorp Genetics (formerly Invitae), Labcorp
Classification: Likely benign for Baraitser-Winter syndrome 1. Last evaluated: 2023-01-15. Review status: criteria provided, single submitter. Criteria: Invitae Variant Classification Sherloc (09022015). Collection method: clinical testing. Allele origin: germline.

PreventionGenetics, part of Exact Sciences
Classification: Likely benign for ACTB-related condition. Last evaluated: 2021-10-19. Review status: no assertion criteria provided. Collection method: clinical testing. Allele origin: germline. Not counted in ClinVar's aggregate classification.
Comment: This variant is classified as likely benign based on ACMG/AMP sequence variant interpretation guidelines (Richards et al. 2015 PMID: 25741868, with internal and published modifications).

NM_001101.5(ACTB):c.495C>T (p.Ile165=)

Gene: ACTB (actin beta; minus strand). Cytogenetic location: 7p22.1.
Variant type: single nucleotide variant.
Coding change: c.495C>T on transcript NM_001101.5 (MANE Select); coding-DNA position 495, C replaced by T.
Protein change: p.Ile165=; no amino-acid change (isoleucine 165 retained).
Molecular consequence: synonymous variant.
Genome position (GRCh38, 1-based): chr7:5,528,588, G>A on the plus strand (C>T on the coding strand, the complement: ACTB is on the minus strand). VCF-style: chr7-5528588-G-A. GRCh37 (hg19) VCF-style: chr7-5568219-G-A.
Identifiers: ClinVar variation 2730606 (VCV002730606.5), dbSNP rs768401130, ClinGen allele CA4146998.
Genomic context (GRCh38, chr7:5,528,588, plus strand): 5'-CAGGTCCCGGCCAGCCAGGTCCAGACGCAGGATGGCATGGGGGAGGGCATACCCCTCGTA[G>A]ATGGGCACAGTGTGGGTGACCCCGTCACCGGAGTCCATCACGATGCCAGTGGTACGGCCA-3'
Protein context (NP_001092.1, residues 155-175): SGDGVTHTVP[Ile165=]YEGYALPHAI